The following is an entry in ClinVar:

NM_001010867.4(IBA57):c.323A>C (p.Tyr108Ser)

Gene: IBA57 (iron-sulfur cluster assembly factor IBA57; plus strand). Cytogenetic location: 1q42.13.
Variant type: single nucleotide variant.
Coding change: c.323A>C on transcript NM_001010867.4 (MANE Select); coding-DNA position 323, A replaced by C.
Protein change: p.Tyr108Ser; replaces tyrosine 108 with serine.
Molecular consequence: missense variant.
Genome position (GRCh38, 1-based): chr1:228,166,139, A>C. VCF-style: chr1-228166139-A-C. GRCh37 (hg19) VCF-style: chr1-228353840-A-C.
Other names: short protein forms Y108S.
Identifiers: ClinVar variation 545652 (VCV000545652.5), dbSNP rs781627051, ClinGen allele CA345106787.
Genomic context (GRCh38, chr1:228,166,139, plus strand): 5'-CCCCGCCTGCTGCGCGCGCGGGCTACGCCCACTTCCTGAACGTGCAGGGCCGGACGCTCT[A>C]TGACGTCATCTTGTACGGGTGAGCGCGTGCTGGGAGGGCGCTCGGGGGCGGGCACCCAGG-3'
Protein context (NP_001010867.1, residues 98-118): HFLNVQGRTL[Tyr108Ser]DVILYGLQEH

ClinVar aggregate classification (germline): Likely pathogenic. Review status: criteria provided, single submitter (1 of 4 stars). 2 submissions from 2 submitters: Likely pathogenic (1). 1 of the submissions does not count toward it. Last evaluated 2019-06-16.

Conditions:
Multiple mitochondrial dysfunctions syndrome 3 (MMDS3). Identifiers: Orphanet 363424, MedGen C3809165, MONDO:0014132, OMIM 615330.

gnomAD v4.1: 6 of 1,521,786 alleles (0.00039%); highest among the groups gnomAD compares: East Asian, 0.013%; no homozygotes.

Submissions (2):

Laboratory for Molecular Medicine, Mass General Brigham Personalized Medicine
Classification: Likely pathogenic for Multiple mitochondrial dysfunctions syndrome 3. Last evaluated: 2019-06-16. Review status: criteria provided, single submitter. Criteria: LMM Criteria. Collection method: clinical testing. Allele origin: germline. Inheritance: Autosomal recessive inheritance. Observed: 1 variant allele.
Comment: The p.Tyr108Ser variant in IBA57 has been reported in 2 individuals with Multiple mitochondrial dysfunctions syndrome 3, including progressive cavitating leukoencephalopathy, who were compound heterozygous for loss of function variants in the IBA57 and segregated with disease in 1 affected individual (Ishiyama 2017). It was absent from large population studies. Computational prediction tools and conservation analyses do not provide strong support for or against an impact to the protein. In vitro functional studies provide some evidence that this variant impacts protein function (Ishiyama 2017); however, these types of assays may not accurately represent biological function. In summary, although additional studies are required to fully establish its clinical significance, this variant meets criteria to be classified as likely pathogenic for autosomal recessive Multiple mitochondrial dysfunctions syndrome 3. ACMG/AMP Criteria applied: PM3_Strong, PM2, PP1, PS3_Supporting.

OMIM
Classification: Pathogenic for MULTIPLE MITOCHONDRIAL DYSFUNCTIONS SYNDROME 3. Last evaluated: 2018-06-25. Review status: no assertion criteria provided. Collection method: literature only. Allele origin: germline. Not counted in ClinVar's aggregate classification.

Literature cited by the submitters: PubMed 28913435 (cited by OMIM).